The following is an entry in ClinVar:

NM_013266.4(CTNNA3):c.1007G>T (p.Arg336Leu)

Gene: CTNNA3 (catenin alpha 3; minus strand). Cytogenetic location: 10q21.3.
Variant type: single nucleotide variant.
Coding change: c.1007G>T on transcript NM_013266.4 (MANE Select); coding-DNA position 1007, G replaced by T.
Protein change: p.Arg336Leu; replaces arginine 336 with leucine.
Molecular consequence: missense variant.
Genome position (GRCh38, 1-based): chr10:67,180,357, C>A on the plus strand (G>T on the coding strand, the complement: CTNNA3 is on the minus strand). VCF-style: chr10-67180357-C-A. GRCh37 (hg19) VCF-style: chr10-68940115-C-A.
Other names: c.1007G>T, p.Arg336Leu (NM_001127384.3); c.1043G>T, p.Arg348Leu (NM_001291133.2); short protein forms R336L, R348L.
Identifiers: ClinVar variation 1788184 (VCV001788184.3), dbSNP rs372482202, ClinGen allele CA5520424.

ClinVar aggregate classification (germline): Uncertain significance (1 of 4 stars; one submission).

Allele frequency attached by ClinVar (database versions not stated): 1000 Genomes Project 30x 0.00031.
gnomAD v4.1: 68 of 1,613,452 alleles (0.0042%); highest among the groups gnomAD compares: South Asian, 0.072%; 1 homozygote.

Submission:

Ambry Genetics
Classification: Uncertain significance. Last evaluated: 2024-06-17. Review status: criteria provided, single submitter. Criteria: Ambry Variant Classification Scheme 2023. Collection method: clinical testing. Allele origin: germline.
Comment: The p.R336L variant (also known as c.1007G>T), located in coding exon 6 of the CTNNA3 gene, results from a G to T substitution at nucleotide position 1007. The arginine at codon 336 is replaced by leucine, an amino acid with dissimilar properties. This amino acid position is conserved. In addition, this alteration is predicted to be deleterious by in silico analysis. Since supporting evidence is limited at this time, the clinical significance of this alteration remains unclear.